The following is an entry in ClinVar:

NM_018723.4(RBFOX1):c.871C>G (p.Pro291Ala)

Gene: RBFOX1 (RNA binding fox-1 homolog 1; plus strand). Cytogenetic location: 16p13.3.
Variant type: single nucleotide variant.
Coding change: c.871C>G on transcript NM_018723.4 (MANE Select); coding-DNA position 871, C replaced by G.
Protein change: p.Pro291Ala; replaces proline 291 with alanine.
Molecular consequence: missense variant.
Genome position (GRCh38, 1-based): chr16:7,653,928, C>G. VCF-style: chr16-7653928-C-G. GRCh37 (hg19) VCF-style: chr16-7703930-C-G.
Other names: c.790C>G, p.Pro264Ala (NM_001142333.2); c.871C>G, p.Pro291Ala (NM_001142334.2, NM_001364800.2); c.1000C>G, p.Pro334Ala (NM_001308117.1); c.931C>G, p.Pro311Ala (NM_145891.3, NM_145892.3, NM_145893.3); short protein forms P291A, P334A, P264A, P311A.
Identifiers: ClinVar variation 642973 (VCV000642973.9), dbSNP rs768195911, ClinGen allele CA7891732.

ClinVar aggregate classification (germline): Uncertain significance (1 of 4 stars; one submission).

Conditions:
Idiopathic generalized epilepsy. Also called: EIG; Generalised epilepsy. Identifiers: MedGen C0270850, MONDO:0005579, OMIM 600669.

Allele frequency attached by ClinVar (database versions not stated): gnomAD 0.00004 and 0.00005; TOPMed 0.00004.
gnomAD v4.1: 41 of 1,550,914 alleles (0.0026%); highest among the groups gnomAD compares: Middle Eastern, 0.02%; no homozygotes.

Submission:

Labcorp Genetics (formerly Invitae), Labcorp
Classification: Uncertain significance for Idiopathic generalized epilepsy. Last evaluated: 2024-06-29. Review status: criteria provided, single submitter. Criteria: Invitae Variant Classification Sherloc (09022015). Collection method: clinical testing. Allele origin: germline.
Comment: This sequence change replaces proline, which is neutral and non-polar, with alanine, which is neutral and non-polar, at codon 311 of the RBFOX1 protein (p.Pro311Ala). This variant is present in population databases (rs768195911, gnomAD 0.004%). This variant has not been reported in the literature in individuals affected with RBFOX1-related conditions. ClinVar contains an entry for this variant (Variation ID: 642973). Advanced modeling of protein sequence and biophysical properties (such as structural, functional, and spatial information, amino acid conservation, physicochemical variation, residue mobility, and thermodynamic stability) performed at Invitae indicates that this missense variant is not expected to disrupt RBFOX1 protein function with a negative predictive value of 80%. In summary, the available evidence is currently insufficient to determine the role of this variant in disease. Therefore, it has been classified as a Variant of Uncertain Significance.